The following is an entry in ClinVar:

ClinVar aggregate classification (germline): Uncertain significance. Review status: criteria provided, multiple submitters, no conflicts (2 of 4 stars). 3 submissions from 3 submitters: Uncertain significance (2). 1 of the submissions does not count toward it. Last evaluated 2025-03-14.

Conditions:
Familial adenomatous polyposis 2. Also called: MUTYH Polyposis; MYH-associated polyposis; FAP type 2; MUTYH-associated polyposis; Adenomas, multiple colorectal; MUTYH-related attenuated familial adenomatous polyposis. Identifiers: Orphanet 220460, Orphanet 247798, MedGen C3272841, MONDO:0012041, OMIM 608456.
Hereditary cancer-predisposing syndrome. Also called: Hereditary Cancer Syndrome; Neoplastic Syndromes, Hereditary; Hereditary neoplastic syndrome; Tumor predisposition. Identifiers: Orphanet 140162, MedGen C0027672, MeSH D009386, MONDO:0015356.

Submissions (3):

Ambry Genetics
Classification: Uncertain significance for Hereditary cancer-predisposing syndrome. Last evaluated: 2025-03-14. Review status: criteria provided, single submitter. Criteria: Ambry Variant Classification Scheme 2023. Collection method: clinical testing. Allele origin: germline.
Comment: The c.278_283delTCACAG variant (also known as p.V93_T94del) is located in coding exon 3 of the MUTYH gene. This variant results from an in-frame TCACAG deletion at nucleotide positions 278 to 283. This results in the in-frame deletion of the valine and threonine residues at codons 93-94. This amino acid region is not well conserved in available vertebrate species. In addition, this alteration is predicted to be deleterious by in silico analysis (Choi Y et al. PLoS ONE. 2012; 7(10):e46688). Since supporting evidence is limited at this time, the clinical significance of this alteration remains unclear.

Labcorp Genetics (formerly Invitae), Labcorp
Classification: Uncertain significance for Familial adenomatous polyposis 2. Last evaluated: 2022-10-13. Review status: criteria provided, single submitter. Criteria: Invitae Variant Classification Sherloc (09022015). Collection method: clinical testing. Allele origin: germline.
Comment: In summary, the available evidence is currently insufficient to determine the role of this variant in disease. Therefore, it has been classified as a Variant of Uncertain Significance. Experimental studies and prediction algorithms are not available or were not evaluated, and the functional significance of this variant is currently unknown. ClinVar contains an entry for this variant (Variation ID: 555160). This variant has not been reported in the literature in individuals affected with MUTYH-related conditions. This variant is not present in population databases (gnomAD no frequency). This variant, c.278_283del, results in the deletion of 2 amino acid(s) of the MUTYH protein (p.Val93_Thr94del), but otherwise preserves the integrity of the reading frame.

Counsyl
Classification: Uncertain significance for Familial adenomatous polyposis 2. Last evaluated: 2017-11-20. Review status: no assertion criteria provided. Collection method: clinical testing. Allele origin: unknown. Not counted in ClinVar's aggregate classification.

NM_001048174.2(MUTYH):c.194_199del (p.Val65_Thr66del)

Gene: MUTYH (mutY DNA glycosylase; minus strand). Cytogenetic location: 1p34.1.
Variant type: Deletion.
Coding change: c.194_199del on transcript NM_001048174.2 (MANE Select); coding-DNA positions 194 to 199, 6 bases deleted (TCACAG; older notation c.194_199delTCACAG).
Protein change: p.Val65_Thr66del.
Molecular consequence: inframe deletion. On other transcripts: 5 prime UTR variant (4), non-coding transcript variant (2).
Genome position (GRCh38, 1-based): chr1:45,333,478-45,333,483, CTGTGA deleted on the plus strand (TCACAG on the coding strand, the reverse complement: MUTYH is on the minus strand); deleting any 6 consecutive bases within chr1:45,333,478-45,333,485 gives the same sequence; the c. name uses the placement nearest the transcript's 3' end. VCF-style (leftmost placement, unchanged base first): chr1-45333477-GCTGTGA-G. GRCh37 (hg19) VCF-style: chr1-45799149-GCTGTGA-G.
Other names: c.236_241del6 (NM_001048171.1); c.278_283delTCACAG (NM_001128425.1); c.194_199del, p.Val65_Thr66del (NM_001048171.2, NM_001048173.2, NM_001293195.2); c.197_202del, p.Val66_Thr67del (NM_001048172.2); c.278_283del, p.Val93_Thr94del (NM_001128425.2); c.239_244del, p.Val80_Thr81del (NM_001293190.2); c.227_232del, p.Val76_Thr77del (NM_001293191.2); c.-83_-78del (NM_001293192.2, NM_001293196.2); and 2 more.
Identifiers: ClinVar variation 555160 (VCV000555160.12), dbSNP rs1553130269, ClinGen allele CA658821021.